The following is an entry in ClinVar:

NM_017950.4(CCDC40):c.2551C>T (p.Arg851Trp)

Gene: CCDC40 (coiled-coil domain 40 molecular ruler complex subunit; plus strand). Cytogenetic location: 17q25.3.
Variant type: single nucleotide variant.
Coding change: c.2551C>T on transcript NM_017950.4 (MANE Select); coding-DNA position 2551, C replaced by T.
Protein change: p.Arg851Trp; replaces arginine 851 with tryptophan.
Molecular consequence: missense variant.
Genome position (GRCh38, 1-based): chr17:80,087,708, C>T. VCF-style: chr17-80087708-C-T. GRCh37 (hg19) VCF-style: chr17-78061507-C-T.
Other names: c.2551C>T, p.Arg851Trp (NM_001243342.2); short protein forms R851W.
Identifiers: ClinVar variation 407763 (VCV000407763.9), dbSNP rs774273644, ClinGen allele CA8814234.

ClinVar aggregate classification (germline): Uncertain significance. Review status: criteria provided, multiple submitters, no conflicts (2 of 4 stars). 3 submissions from 3 submitters: Uncertain significance (3). Last evaluated 2025-05-19.

Conditions:
Primary ciliary dyskinesia. Also called: Ciliary dyskinesia. Identifiers: Orphanet 244, MedGen C0008780, MONDO:0016575, HP:0012265.

Allele frequency attached by ClinVar (database versions not stated): gnomAD exomes 0.00001 and 0.00002; ExAC 0.00002; gnomAD 0.00002 and 0.00003.
gnomAD v4.1: 16 of 1,613,820 alleles (0.00099%); highest among the groups gnomAD compares: South Asian, 0.0099%; no homozygotes.

Submissions (3):

Ambry Genetics
Classification: Uncertain significance for Primary ciliary dyskinesia. Last evaluated: 2025-05-19. Review status: criteria provided, single submitter. Criteria: Ambry Variant Classification Scheme 2023. Collection method: clinical testing. Allele origin: germline.

Labcorp Genetics (formerly Invitae), Labcorp
Classification: Uncertain significance for Primary ciliary dyskinesia. Last evaluated: 2024-10-29. Review status: criteria provided, single submitter. Criteria: Invitae Variant Classification Sherloc (09022015). Collection method: clinical testing. Allele origin: germline.
Comment: This sequence change replaces arginine, which is basic and polar, with tryptophan, which is neutral and slightly polar, at codon 851 of the CCDC40 protein (p.Arg851Trp). This variant is present in population databases (rs774273644, gnomAD 0.007%). This variant has not been reported in the literature in individuals affected with CCDC40-related conditions. ClinVar contains an entry for this variant (Variation ID: 407763). Invitae Evidence Modeling of protein sequence and biophysical properties (such as structural, functional, and spatial information, amino acid conservation, physicochemical variation, residue mobility, and thermodynamic stability) indicates that this missense variant is expected to disrupt CCDC40 protein function with a positive predictive value of 80%. In summary, the available evidence is currently insufficient to determine the role of this variant in disease. Therefore, it has been classified as a Variant of Uncertain Significance.

GeneDx
Classification: Uncertain significance. Last evaluated: 2023-07-25. Review status: criteria provided, single submitter. Criteria: GeneDx Variant Classification Process June 2021. Collection method: clinical testing. Allele origin: germline. Affected: yes.
Comment: In silico analysis supports that this missense variant has a deleterious effect on protein structure/function; Has not been previously published as pathogenic or benign to our knowledge